The following is an entry in ClinVar:

ClinVar aggregate classification (germline): Pathogenic/Likely pathogenic. Review status: criteria provided, multiple submitters, no conflicts (2 of 4 stars). 6 submissions from 6 submitters: Pathogenic (3); Likely pathogenic (1). 2 of the submissions do not count toward it. Last evaluated 2025-11-05.

Conditions:
Fanconi anemia complementation group A (FANCA). Also called: FANCA-Related Fanconi Anemia; Fanconi anemia, group A. Identifiers: Orphanet 84, MedGen C3469521, MONDO:0009215, OMIM 227650.
Fanconi anemia (FA). Also called: Fanconi's anemia. Identifiers: Orphanet 84, MedGen C0015625, MeSH D005199, MONDO:0019391.

Allele frequency attached by ClinVar (database versions not stated): gnomAD 0.00001; gnomAD exomes 0.00001; TOPMed 0.00001.
gnomAD v4.1: 11 of 1,613,494 alleles (0.00068%); highest among the groups gnomAD compares: Non-Finnish European, 0.00093%; no homozygotes.

Submissions (6):

Labcorp Genetics (formerly Invitae), Labcorp
Classification: Pathogenic for Fanconi anemia. Last evaluated: 2025-11-05. Review status: criteria provided, single submitter. Criteria: Invitae Variant Classification Sherloc (09022015). Collection method: clinical testing. Allele origin: germline.
Comment: This sequence change replaces leucine, which is neutral and non-polar, with proline, which is neutral and non-polar, at codon 845 of the FANCA protein (p.Leu845Pro). This variant is not present in population databases (gnomAD no frequency). This missense change has been observed in individuals with Fanconi anemia (PMID: 12031647, 19367192, 22778927, 29098742). ClinVar contains an entry for this variant (Variation ID: 556016). Invitae Evidence Modeling of protein sequence and biophysical properties (such as structural, functional, and spatial information, amino acid conservation, physicochemical variation, residue mobility, and thermodynamic stability) indicates that this missense variant is expected to disrupt FANCA protein function with a positive predictive value of 95%. Experimental studies have shown that this missense change affects FANCA function (PMID: 12444097). For these reasons, this variant has been classified as Pathogenic.

Natera, Inc.
Classification: Likely pathogenic for Fanconi anemia. Last evaluated: 2025-04-24. Review status: criteria provided, single submitter. Criteria: Natera Variant Classification Schema (03/2026). Collection method: clinical testing. Allele origin: germline.
Comment: The c.2534T>C variant in FANCA is a missense variant predicted to cause substitution of leucine to proline at amino acid 845. This variant is rare in the general population with a frequency below the threshold expected for the associated phenotype(s). This variant has been observed in one or more individuals affected with the associated recessive disease, as either homozygous or compound heterozygous with a second variant (PMID: 29098742, 22778927, 19367192, 38191666, 12031647). Computational prediction algorithms indicate this variant is likely to affect gene or protein function. Given the available evidence, this variant is classified as Likely Pathogenic.

Baylor Genetics
Classification: Pathogenic for Fanconi anemia complementation group A. Last evaluated: 2024-03-08. Review status: criteria provided, single submitter. Criteria: ACMG Guidelines, 2015. Collection method: clinical testing. Allele origin: unknown.

Genetic Services Laboratory, University of Chicago
Classification: Pathogenic. Last evaluated: 2017-12-21. Review status: criteria provided, single submitter. Criteria: ACMG Guidelines, 2015. Collection method: clinical testing. Allele origin: germline. Affected: yes.
Comment: The c.2534T>C sequence change results in an amino acid change, p.Leu845Pro. This sequence change has not been observed in large population databases such as gnomAD. This pathogenic sequence change has previously been described in at least two patients with Fanconi anemia (Levran et al., 1997; Gille et al., 2012). The p.Leu845Pro change affects a moderately conserved amino acid residue located in a domain of the FANCA protein that is not known to be functional. Functional characterization of the p.Leu845Pro variant caused severe impairment of FANCA protein function, including abnormal cellular localization, weak phosphorylation and weak interaction with FANCC, FANCF and FANCD2 (Adachi et al., 2002).

Leiden Open Variation Database
Classification: Pathogenic for Fanconi anemia complementation group A. Last evaluated: 2020-02-28. Review status: no assertion criteria provided. Collection method: curation. Allele origin: germline. Affected: yes. Not counted in ClinVar's aggregate classification.
Comment: Curator: Arleen D. Auerbach. Submitters to LOVD: Arleen D. Auerbach, Johan de Winter.

Counsyl
Classification: Likely pathogenic for Fanconi anemia complementation group A. Last evaluated: 2018-01-08. Review status: no assertion criteria provided. Collection method: clinical testing. Allele origin: unknown. Not counted in ClinVar's aggregate classification.

Literature cited by the submitters: PubMed 12031647 (cited by Labcorp Genetics (formerly Invitae), Labcorp and Natera, Inc.); PubMed 19367192 (cited by 3 submitters); PubMed 22778927 (cited by 4 submitters); PubMed 29098742 (cited by Labcorp Genetics (formerly Invitae), Labcorp and Natera, Inc.); PubMed 12444097 (cited by 3 submitters); PubMed 38191666 (cited by Natera, Inc.); PubMed 9371798 (cited by Counsyl).

NM_000135.4(FANCA):c.2534T>C (p.Leu845Pro)

Gene: FANCA (FA complementation group A; minus strand). Cytogenetic location: 16q24.3.
Variant type: single nucleotide variant.
Coding change: c.2534T>C on transcript NM_000135.4 (MANE Select); coding-DNA position 2534, T replaced by C.
Protein change: p.Leu845Pro; replaces leucine 845 with proline.
Molecular consequence: missense variant.
Genome position (GRCh38, 1-based): chr16:89,767,208, A>G on the plus strand (T>C on the coding strand, the complement: FANCA is on the minus strand). VCF-style: chr16-89767208-A-G. GRCh37 (hg19) VCF-style: chr16-89833616-A-G.
Other names: c.2534T>C (LRG_495t1, NM_000135.3); c.2534T>C, p.Leu845Pro (NM_001286167.3); short protein forms L845P.
Identifiers: ClinVar variation 556016 (VCV000556016.18), dbSNP rs1173704265, ClinGen allele CA397440749.